The following is an entry in ClinVar:

ClinVar aggregate classification (germline): Pathogenic (1 of 4 stars; one submission).

Conditions:
Autosomal recessive polycystic kidney disease (ARPKD). Also called: AR polycystic kidney disease. Identifiers: Orphanet 731, Orphanet 8378, MedGen C0085548, MeSH D017044, MONDO:0009889.

Submission:

Labcorp Genetics (formerly Invitae), Labcorp
Classification: Pathogenic for Autosomal recessive polycystic kidney disease. Last evaluated: 2020-05-21. Review status: criteria provided, single submitter. Criteria: Invitae Variant Classification Sherloc (09022015). Collection method: clinical testing. Allele origin: germline.
Comment: For these reasons, this variant has been classified as Pathogenic. Loss-of-function variants in PKHD1 are known to be pathogenic (PMID: 19940839). This variant has not been reported in the literature in individuals with PKHD1-related conditions. This variant is not present in population databases (ExAC no frequency). This sequence change creates a premature translational stop signal (p.Gly162*) in the PKHD1 gene. It is expected to result in an absent or disrupted protein product.

Literature cited by the submitters: PubMed 19940839.

NM_138694.4(PKHD1):c.484G>T (p.Gly162Ter)

Gene: PKHD1 (PKHD1 ciliary IPT domain containing fibrocystin/polyductin; minus strand). Cytogenetic location: 6p12.2.
Variant type: single nucleotide variant.
Coding change: c.484G>T on transcript NM_138694.4 (MANE Select); coding-DNA position 484, G replaced by T.
Protein change: p.Gly162Ter; replaces glycine 162 with a stop codon.
Molecular consequence: nonsense.
Genome position (GRCh38, 1-based): chr6:52,073,506, C>A on the plus strand (G>T on the coding strand, the complement: PKHD1 is on the minus strand). VCF-style: chr6-52073506-C-A. GRCh37 (hg19) VCF-style: chr6-51938304-C-A.
Other names: c.484G>T, p.Gly162Ter (NM_170724.3); short protein forms G162*.
Identifiers: ClinVar variation 1075837 (VCV001075837.7), dbSNP rs1210505160, ClinGen allele CA364436195.